The following is an entry in ClinVar:

NM_020461.4(TUBGCP6):c.3646G>A (p.Gly1216Arg)

Gene: TUBGCP6 (tubulin gamma complex component 6; minus strand). Cytogenetic location: 22q13.33.
Variant type: single nucleotide variant.
Coding change: c.3646G>A on transcript NM_020461.4 (MANE Select); coding-DNA position 3646, G replaced by A.
Protein change: p.Gly1216Arg; replaces glycine 1216 with arginine.
Molecular consequence: missense variant.
Genome position (GRCh38, 1-based): chr22:50,220,713, C>T on the plus strand (G>A on the coding strand, the complement: TUBGCP6 is on the minus strand). VCF-style: chr22-50220713-C-T. GRCh37 (hg19) VCF-style: chr22-50659142-C-T.
Other names: c.3646G>A (NM_020461.3); short protein forms G1216R.
Identifiers: ClinVar variation 1059306 (VCV001059306.8), dbSNP rs199766792, ClinGen allele CA10307872.

ClinVar aggregate classification (germline): Conflicting classifications of pathogenicity. Review status: criteria provided, conflicting classifications (1 of 4 stars). 2 submissions from 2 submitters: Uncertain significance (1); Likely benign (1). Last evaluated 2023-08-30.

Conditions:
Inborn genetic diseases. Identifiers: MedGen C0950123, MeSH D030342.

Allele frequency attached by ClinVar (database versions not stated): gnomAD 0.00003 and 0.00004; gnomAD exomes 0.00006; TOPMed 0.00006; ExAC 0.00007; ESP Exome Variant Server 0.00008.
gnomAD v4.1: 104 of 1,611,372 alleles (0.0065%); highest among the groups gnomAD compares: Middle Eastern, 0.016%; no homozygotes.

Submissions (2):

Labcorp Genetics (formerly Invitae), Labcorp
Classification: Uncertain significance. Last evaluated: 2023-08-30. Review status: criteria provided, single submitter. Criteria: Invitae Variant Classification Sherloc (09022015). Collection method: clinical testing. Allele origin: germline.
Comment: In summary, the available evidence is currently insufficient to determine the role of this variant in disease. Therefore, it has been classified as a Variant of Uncertain Significance. Algorithms developed to predict the effect of missense changes on protein structure and function output the following: SIFT: "Not Available"; PolyPhen-2: "Benign"; Align-GVGD: "Not Available". The arginine amino acid residue is found in multiple mammalian species, which suggests that this missense change does not adversely affect protein function. ClinVar contains an entry for this variant (Variation ID: 1059306). This variant has not been reported in the literature in individuals affected with TUBGCP6-related conditions. This variant is present in population databases (rs199766792, gnomAD 0.009%). This sequence change replaces glycine, which is neutral and non-polar, with arginine, which is basic and polar, at codon 1216 of the TUBGCP6 protein (p.Gly1216Arg).

Ambry Genetics
Classification: Likely benign for Inborn genetic diseases. Last evaluated: 2021-08-23. Review status: criteria provided, single submitter. Criteria: Ambry Variant Classification Scheme 2023. Collection method: clinical testing. Allele origin: germline.